The following is an entry in ClinVar:

NM_001408.3(CELSR2):c.7390C>T (p.Leu2464=)

Gene: CELSR2 (cadherin EGF LAG seven-pass G-type receptor 2; plus strand). Cytogenetic location: 1p13.3.
Variant type: single nucleotide variant.
Coding change: c.7390C>T on transcript NM_001408.3 (MANE Select); coding-DNA position 7390, C replaced by T.
Protein change: p.Leu2464=; no amino-acid change (leucine 2464 retained).
Molecular consequence: synonymous variant.
Genome position (GRCh38, 1-based): chr1:109,270,507, C>T. VCF-style: chr1-109270507-C-T. GRCh37 (hg19) VCF-style: chr1-109813129-C-T.
Identifiers: ClinVar variation 2638977 (VCV002638977.24), dbSNP rs540943775, ClinGen allele CA419359946.
Genomic context (GRCh38, chr1:109,270,507, plus strand): 5'-ATCCTGCTGCACTTCCTGTACCTCTGCACCTTTTCCTGGGCTCTGCTGGAGGCCTTGCAC[C>T]TGTACCGGGCACTCACTGAGGTGCGCGATGTCAACACCGGCCCCATGCGCTTCTACTACA-3'
Protein context (NP_001399.1, residues 2454-2474): FSWALLEALH[Leu2464=]YRALTEVRDV

ClinVar aggregate classification (germline): Likely benign (1 of 4 stars; one submission).

Allele frequency attached by ClinVar (database versions not stated): TOPMed below 0.00001.
gnomAD v4.1: 1 of 1,614,104 alleles (0.000062%); highest among the groups gnomAD compares: Non-Finnish European, 0.000085%; no homozygotes.

Submission:

CeGaT Center for Human Genetics Tuebingen
Classification: Likely benign. Last evaluated: 2023-04-01. Review status: criteria provided, single submitter. Criteria: CeGaT Center For Human Genetics Tuebingen Variant Classification Criteria Version 2. Collection method: clinical testing. Allele origin: germline. Affected: yes. Observed: 1 variant allele.
Comment: CELSR2: BP4, BP7